The following is an entry in ClinVar:

NM_024079.5(ALG8):c.770T>C (p.Leu257Pro)

Gene: ALG8 (ALG8 alpha-1,3-glucosyltransferase; minus strand). Cytogenetic location: 11q14.1.
Variant type: single nucleotide variant.
Coding change: c.770T>C on transcript NM_024079.5 (MANE Select); coding-DNA position 770, T replaced by C.
Protein change: p.Leu257Pro; replaces leucine 257 with proline.
Molecular consequence: missense variant. On other transcripts: non-coding transcript variant (2), intron variant (2).
Genome position (GRCh38, 1-based): chr11:78,113,893, A>G on the plus strand (T>C on the coding strand, the complement: ALG8 is on the minus strand). VCF-style: chr11-78113893-A-G. GRCh37 (hg19) VCF-style: chr11-77824939-A-G.
Other names: c.770T>C, p.Leu257Pro (NM_001007027.3, NM_001425221.1, NM_001425222.1 and 10 more transcripts); c.773T>C, p.Leu258Pro (NM_001425219.1); c.755T>C, p.Leu252Pro (NM_001425220.1); c.863T>C, p.Leu288Pro (NM_001425224.1); c.617T>C, p.Leu206Pro (NM_001425226.1, NM_001425235.1, NM_001425236.1); c.569T>C, p.Leu190Pro (NM_001425231.1); c.506T>C, p.Leu169Pro (NM_001425234.1, NM_001425239.1); c.254T>C, p.Leu85Pro (NM_001425241.1); and 3 more; short protein forms L169P, L190P, L206P, L252P, L257P, L258P, L288P, L72P.
Identifiers: ClinVar variation 4852424 (VCV004852424.1).

ClinVar aggregate classification (germline): Likely pathogenic (1 of 4 stars; one submission).

Conditions:
ALG8 congenital disorder of glycosylation. Also called: ALG8-CDG; CONGENITAL DISORDER OF GLYCOSYLATION, TYPE Ih; CDG Ih. Identifiers: Orphanet 79325, MedGen C2931002, MONDO:0011969, OMIM 608104.

Submission:

Department of Genetics, Sultan Qaboos University Hospital
Classification: Likely pathogenic for ALG8 congenital disorder of glycosylation. Last evaluated: 2026-04-01. Review status: criteria provided, single submitter. Criteria: ACMG Guidelines, 2015. Collection method: clinical testing. Allele origin: germline. Affected: yes. Observed: 1 variant allele.
Comment: PM2_Supporting, PP3_Moderate, PP1_Strong, PP4_Supporting